The following is an entry in ClinVar:

ClinVar aggregate classification (germline): Uncertain significance (1 of 4 stars; one submission).

gnomAD v4.1: 10 of 1,608,874 alleles (0.00062%); highest among the groups gnomAD compares: Admixed American, 0.0084%; no homozygotes.

Submission:

Labcorp Genetics (formerly Invitae), Labcorp
Classification: Uncertain significance. Last evaluated: 2022-07-14. Review status: criteria provided, single submitter. Criteria: Invitae Variant Classification Sherloc (09022015). Collection method: clinical testing. Allele origin: germline.
Comment: This sequence change replaces arginine, which is basic and polar, with serine, which is neutral and polar, at codon 1033 of the COL18A1 protein (p.Arg1033Ser). This variant is not present in population databases (gnomAD no frequency). This variant has not been reported in the literature in individuals affected with COL18A1-related conditions. ClinVar contains an entry for this variant (Variation ID: 1474416). Experimental studies and prediction algorithms are not available or were not evaluated, and the functional significance of this variant is currently unknown. In summary, the available evidence is currently insufficient to determine the role of this variant in disease. Therefore, it has been classified as a Variant of Uncertain Significance.

NM_001379500.1(COL18A1):c.3106C>A (p.Arg1036Ser)

Genes: COL18A1 (collagen type XVIII alpha 1 chain; plus strand), SLC19A1 (solute carrier family 19 member 1; minus strand). Cytogenetic location: 21q22.3.
Variant type: single nucleotide variant.
Coding change: c.3106C>A on transcript NM_001379500.1 (MANE Select); coding-DNA position 3106, C replaced by A.
Protein change: p.Arg1036Ser; replaces arginine 1036 with serine.
Molecular consequence: missense variant.
Genome position (GRCh38, 1-based): chr21:45,505,856, C>A. VCF-style: chr21-45505856-C-A. GRCh37 (hg19) VCF-style: chr21-46925770-C-A.
Other names: c.3637C>A, p.Arg1213Ser (NM_030582.4); c.4342C>A, p.Arg1448Ser (NM_130444.3); short protein forms R1036S, R1213S, R1448S.
Identifiers: ClinVar variation 1474416 (VCV001474416.3), dbSNP rs772808254, ClinGen allele CA410499860.